The following is an entry in ClinVar:

ClinVar aggregate classification (germline): Likely pathogenic (1 of 4 stars; one submission).

Submission:

GeneDx
Classification: Likely pathogenic. Last evaluated: 2016-12-19. Review status: criteria provided, single submitter. Criteria: GeneDx Variant Classification (06012015). Collection method: clinical testing. Allele origin: germline. Affected: yes.
Comment: The R1324S variant in the SCN2A gene has not been reported previously as a pathogenic variant, nor as a benign variant, to our knowledge. The R1324S variant was not observed in approximately 6,500 individuals of European and African American ancestry in the NHLBI Exome Sequencing Project, indicating it is not a common benign variant in these populations. The R1324S variant is a semi-conservative amino acid substitution, which may impact secondary protein structure as these residues differ in some properties. This substitution occurs at a position that is conserved across species and in silico analysis predicts this variant is probably damaging to the protein structure/function. This substitution is predicted to be within the extracellular/intracellular loop between the S4 and S5 transmembrane segments of the third homologous domain. As an alternate mechanism, multiple in silico algorithms predict that c.3972G>C (aka R1324S) may damage the natural splice donor site in intron 20. Missense variants in nearby residues (R1319Q, R1319L, M1323V, V1326L, V1326D, L1330F, G1322R) have been reported in the Human Gene Mutation Database in association with SCN2A-related disorders (Stenson et al., 2014), supporting the functional importance of this region of the protein. The R1324S variant is a strong candidate for a pathogenic variant consistent with the clinical features reported in this individual. However, the possibility it may be a rare benign variant cannot be excluded.

NM_001040142.2(SCN2A):c.3972G>C (p.Arg1324Ser)

Gene: SCN2A (sodium voltage-gated channel alpha subunit 2; plus strand). Cytogenetic location: 2q24.3.
Variant type: single nucleotide variant.
Coding change: c.3972G>C on transcript NM_001040142.2 (MANE Select); coding-DNA position 3972, G replaced by C.
Protein change: p.Arg1324Ser; replaces arginine 1324 with serine.
Molecular consequence: missense variant.
Genome position (GRCh38, 1-based): chr2:165,373,347, G>C. VCF-style: chr2-165373347-G-C. GRCh37 (hg19) VCF-style: chr2-166229857-G-C.
Other names: c.3972G>C, p.Arg1324Ser (NM_001040143.2, NM_001371246.1, NM_001371247.1 and 1 more transcripts); short protein forms R1324S.
Identifiers: ClinVar variation 391978 (VCV000391978.2), dbSNP rs1057518117, ClinGen allele CA16603822.